The following is an entry in ClinVar:

ClinVar aggregate classification (germline): Uncertain significance (1 of 4 stars; one submission).

Conditions:
Baller-Gerold syndrome (BGS). Also called: CRANIOSYNOSTOSIS WITH RADIAL DEFECTS. Identifiers: Orphanet 1225, MedGen C0265308, MONDO:0009039, OMIM 218600.

Allele frequency attached by ClinVar (database versions not stated): ExAC 0.00001; gnomAD 0.00001.
gnomAD v4.1: 4 of 1,609,976 alleles (0.00025%); highest among the groups gnomAD compares: East Asian, 0.0022%; no homozygotes.

Submission:

Labcorp Genetics (formerly Invitae), Labcorp
Classification: Uncertain significance for Baller-Gerold syndrome. Last evaluated: 2021-11-07. Review status: criteria provided, single submitter. Criteria: Invitae Variant Classification Sherloc (09022015). Collection method: clinical testing. Allele origin: germline.
Comment: This sequence change affects codon 507 of the RECQL4 mRNA. It is a 'silent' change, meaning that it does not change the encoded amino acid sequence of the RECQL4 protein. This variant is present in population databases (rs763993982, gnomAD 0.0009%). This variant has not been reported in the literature in individuals affected with RECQL4-related conditions. Algorithms developed to predict the effect of sequence changes on RNA splicing suggest that this variant may create or strengthen a splice site. In summary, the available evidence is currently insufficient to determine the role of this variant in disease. Therefore, it has been classified as a Variant of Uncertain Significance.

NM_004260.4(RECQL4):c.1521C>T (p.Gly507=)

Gene: RECQL4 (RecQ like helicase 4; minus strand). Cytogenetic location: 8q24.3.
Variant type: single nucleotide variant.
Coding change: c.1521C>T on transcript NM_004260.4 (MANE Select); coding-DNA position 1521, C replaced by T.
Protein change: p.Gly507=; no amino-acid change (glycine 507 retained).
Molecular consequence: synonymous variant.
Genome position (GRCh38, 1-based): chr8:144,515,035, G>A on the plus strand (C>T on the coding strand, the complement: RECQL4 is on the minus strand). VCF-style: chr8-144515035-G-A. GRCh37 (hg19) VCF-style: chr8-145740419-G-A.
Identifiers: ClinVar variation 1422946 (VCV001422946.6), dbSNP rs763993982, ClinGen allele CA4948817.